The following is an entry in ClinVar:

NM_001457.4(FLNB):c.3221G>A (p.Gly1074Asp)

Gene: FLNB (filamin B; plus strand). Cytogenetic location: 3p14.3.
Variant type: single nucleotide variant.
Coding change: c.3221G>A on transcript NM_001457.4 (MANE Select); coding-DNA position 3221, G replaced by A.
Protein change: p.Gly1074Asp; replaces glycine 1074 with aspartic acid.
Molecular consequence: missense variant.
Genome position (GRCh38, 1-based): chr3:58,123,187, G>A. VCF-style: chr3-58123187-G-A. GRCh37 (hg19) VCF-style: chr3-58108914-G-A.
Other names: c.3221G>A, p.Gly1074Asp (NM_001164317.2, NM_001164318.2, NM_001164319.2); short protein forms G1074D.
Identifiers: ClinVar variation 4691578 (VCV004691578.1).

ClinVar aggregate classification (germline): Uncertain significance (1 of 4 stars; one submission).

Submission:

Labcorp Genetics (formerly Invitae), Labcorp
Classification: Uncertain significance. Last evaluated: 2025-04-13. Review status: criteria provided, single submitter. Criteria: Invitae Variant Classification Sherloc (09022015). Collection method: clinical testing. Allele origin: germline.
Comment: This sequence change replaces glycine, which is neutral and non-polar, with aspartic acid, which is acidic and polar, at codon 1074 of the FLNB protein (p.Gly1074Asp). This variant is not present in population databases (gnomAD no frequency). This variant has not been reported in the literature in individuals affected with FLNB-related conditions. Invitae Evidence Modeling of protein sequence and biophysical properties (such as structural, functional, and spatial information, amino acid conservation, physicochemical variation, residue mobility, and thermodynamic stability) indicates that this missense variant is not expected to disrupt FLNB protein function with a negative predictive value of 95%. In summary, the available evidence is currently insufficient to determine the role of this variant in disease. Therefore, it has been classified as a Variant of Uncertain Significance.